The following is an entry in ClinVar:

NM_000090.4(COL3A1):c.2971G>A (p.Glu991Lys)

Gene: COL3A1 (collagen type III alpha 1 chain; plus strand). Cytogenetic location: 2q32.2.
Variant type: single nucleotide variant.
Coding change: c.2971G>A on transcript NM_000090.4 (MANE Select); coding-DNA position 2971, G replaced by A.
Protein change: p.Glu991Lys; replaces glutamic acid 991 with lysine.
Molecular consequence: missense variant.
Genome position (GRCh38, 1-based): chr2:189,005,389, G>A. VCF-style: chr2-189005389-G-A. GRCh37 (hg19) VCF-style: chr2-189870115-G-A.
Other names: short protein forms E991K.
Identifiers: ClinVar variation 3069407 (VCV003069407.1), dbSNP rs1688562704, ClinGen allele CA349844754.

ClinVar aggregate classification (germline): Uncertain significance (1 of 4 stars; one submission).

Conditions:
Ehlers-Danlos syndrome, type 4 (EDSVASC). Also called: Ehlers-Danlos Syndrome Type IV; Ehlers-Danlos syndrome vascular type; Ehlers Danlos syndrome, ecchymotic type; Ehlers Danlos syndrome, arterial type; Ehlers Danlos syndrome, Sack-Barabas type. Identifiers: Orphanet 286, MedGen C0268338, MONDO:0017314, OMIM 130050.

Allele frequency attached by ClinVar (database versions not stated): gnomAD 0.00001.
gnomAD v4.1: 1 of 1,614,006 alleles (0.000062%); highest among the groups gnomAD compares: Non-Finnish European, 0.000085%; no homozygotes.

Submission:

All of Us Research Program, National Institutes of Health
Classification: Uncertain significance for Ehlers-Danlos syndrome, type 4. Last evaluated: 2023-02-15. Review status: criteria provided, single submitter. Criteria: ACMG Guidelines, 2015. Collection method: clinical testing. Allele origin: germline. Inheritance: Autosomal dominant inheritance. Observed: 1 variant allele, 1 heterozygote.
Comment: This missense variant replaces glutamic acid with lysine at codon 991 of the COL3A1 protein. Computational prediction is inconclusive regarding the impact of this variant on protein structure and function (internally defined REVEL score threshold 0.5 < inconclusive < 0.7, PMID: 27666373). To our knowledge, functional studies have not been reported for this variant. This variant has not been reported in individuals affected with COL3A1-related disorders in the literature. This variant has not been identified in the general population by the Genome Aggregation Database (gnomAD). The available evidence is insufficient to determine the role of this variant in disease conclusively. Therefore, this variant is classified as a Variant of Uncertain Significance.

This study involves interpretation of variants in research participants for the purpose of population health screening. Participant phenotype was not available at the time of variant classification. Additional details can be found in publication PMID: 35346344, PMCID: PMC8962531